The following is an entry in ClinVar:

NM_000441.2(SLC26A4):c.1315G>A (p.Gly439Arg)

Gene: SLC26A4 (solute carrier family 26 member 4; plus strand). Cytogenetic location: 7q22.3.
Variant type: single nucleotide variant.
Coding change: c.1315G>A on transcript NM_000441.2 (MANE Select); coding-DNA position 1315, G replaced by A.
Protein change: p.Gly439Arg; replaces glycine 439 with arginine.
Molecular consequence: missense variant.
Genome position (GRCh38, 1-based): chr7:107,694,454, G>A. VCF-style: chr7-107694454-G-A. GRCh37 (hg19) VCF-style: chr7-107334899-G-A.
Other names: short protein forms G439R.
Identifiers: ClinVar variation 2735069 (VCV002735069.6), dbSNP rs746046215, ClinGen allele CA4432774.
Genomic context (GRCh38, chr7:107,694,454, plus strand): 5'-GTCTTCCAGGTTGCTGGCATCATCTCTGCTGCGATTGTGATGATCGCCATTCTTGCCCTG[G>A]GGAAGCTTCTGGAACCCTTGCAGAAGGTATAACCCTGCTTCTCTGCATACCGATTGCATA-3'
Protein context (NP_000432.1, residues 429-449): AIVMIAILAL[Gly439Arg]KLLEPLQKSV

ClinVar aggregate classification (germline): Likely pathogenic. Review status: criteria provided, multiple submitters, no conflicts (2 of 4 stars). 4 submissions from 4 submitters: Likely pathogenic (4). Last evaluated 2025-06-24.

Conditions:
Autosomal recessive nonsyndromic hearing loss 4 (DFNB4). Also called: Deafness, autosomal recessive 4; Enlarged vestibular aqueduct, digenic; Deafness, autosomal recessive 4, with enlarged vestibular aqueduct; Nonsyndromic enlarged vestibular aqueduct (NSEVA); NEUROSENSORY NONSYNDROMIC RECESSIVE DEAFNESS 4; FOXI1-Related Pendred Syndrome. Identifiers: Orphanet 90636, MedGen C3538946, MONDO:0010933, OMIM 600791.
Pendred syndrome (PDS). Also called: Pendred's syndrome; Pendred Syndrome (PDS); DEAFNESS WITH GOITER; GOITER-DEAFNESS SYNDROME; HYPOTHYROIDISM, CONGENITAL, DUE TO DYSHORMONOGENESIS, 2B; THYROID DYSHORMONOGENESIS 2B. Identifiers: Orphanet 705, MedGen C0271829, MONDO:0010134, OMIM 274600.

Allele frequency attached by ClinVar (database versions not stated): TOPMed 0.00001; ExAC 0.00002; gnomAD exomes 0.00003.
gnomAD v4.1: 48 of 1,613,662 alleles (0.003%); highest among the groups gnomAD compares: East Asian, 0.0089%; no homozygotes.

Submissions (4):

Myriad Genetics, Inc.
Classification: Likely pathogenic for Pendred syndrome. Last evaluated: 2025-06-24. Review status: criteria provided, single submitter. Criteria: Myriad Autosomal Dominant, Autosomal Recessive and X-Linked Classification Criteria (2023). Collection method: clinical testing. Allele origin: unknown.
Comment: NM_000441.1(SLC26A4):c.1315G>A(G439R) is a missense variant classified as likely pathogenic in the context of Pendred syndrome. G439R has been observed in cases with relevant disease (PMID: 24599119, 38610765, 38790200, Noguchi_2013_Article). Relevant functional assessments of this variant are not available in the literature. G439R has been observed in referenced population frequency databases. In summary, NM_000441.1(SLC26A4):c.1315G>A(G439R) is a missense variant that has been observed more frequently in cases with the relevant disease than in healthy populations. Please note: this variant was assessed in the context of healthy population screening.

Fulgent Genetics
Classification: Likely pathogenic for Pendred syndrome; Autosomal recessive nonsyndromic hearing loss 4. Last evaluated: 2024-05-28. Review status: criteria provided, single submitter. Criteria: ACMG Guidelines, 2015. Collection method: clinical testing. Allele origin: germline.

Labcorp Genetics (formerly Invitae), Labcorp
Classification: Likely pathogenic. Last evaluated: 2023-09-21. Review status: criteria provided, single submitter. Criteria: Invitae Variant Classification Sherloc (09022015). Collection method: clinical testing. Allele origin: germline.
Comment: This variant is present in population databases (rs746046215, gnomAD 0.002%). In summary, the currently available evidence indicates that the variant is pathogenic, but additional data are needed to prove that conclusively. Therefore, this variant has been classified as Likely Pathogenic. Advanced modeling of protein sequence and biophysical properties (such as structural, functional, and spatial information, amino acid conservation, physicochemical variation, residue mobility, and thermodynamic stability) performed at Invitae indicates that this missense variant is expected to disrupt SLC26A4 protein function. This missense change has been observed in individual(s) with clinical features of Pendred syndrome (PMID: 17851929, 25788563). This sequence change replaces glycine, which is neutral and non-polar, with arginine, which is basic and polar, at codon 439 of the SLC26A4 protein (p.Gly439Arg).

Precision Medicine Center, Zhengzhou University
Classification: Likely pathogenic for Autosomal recessive nonsyndromic hearing loss 4. Review status: criteria provided, single submitter. Criteria: ACMG Guidelines, 2015. Collection method: clinical testing. Allele origin: germline. Affected: yes. Clinical features observed: Sensorineural hearing loss disorder (HP:0000407), Enlarged vestibular aqueduct syndrome (HP:0011387).
Comment: PM2: gnomAD genomes allele frequency = 0.00002< 0.00007. PM3_Strong: Pathogenic variant confirmed in trans in two patients. (PMID: 17851929, 24599119) PP3: REVEL score > 0.7. PP4: Patient's phenotype highly specific for gene.

Literature cited by the submitters: PubMed 17851929 (cited by Labcorp Genetics (formerly Invitae), Labcorp); PubMed 25788563 (cited by Labcorp Genetics (formerly Invitae), Labcorp); PubMed 30311386 (cited by Precision Medicine Center, Zhengzhou University).